The following is an entry in ClinVar:

ClinVar aggregate classification (germline): Conflicting classifications of pathogenicity. Review status: criteria provided, conflicting classifications (1 of 4 stars). 3 submissions from 3 submitters: Uncertain significance (2); Likely benign (1). Last evaluated 2025-11-05.

Conditions:
Hereditary cancer-predisposing syndrome. Also called: Neoplastic Syndromes, Hereditary; Hereditary neoplastic syndrome; Tumor predisposition; Hereditary Cancer Syndrome. Identifiers: Orphanet 140162, MedGen C0027672, MeSH D009386, MONDO:0015356.
POLD1-related polyposis and colorectal cancer syndrome (CRCS10). Also called: Colorectal cancer 10; COLORECTAL CANCER, SUSCEPTIBILITY TO, ON CHROMOSOME 19q; Colorectal cancer, susceptibility to, 10. Identifiers: Orphanet 220460, MedGen C2675481, MONDO:0012953, OMIM 612591.

Allele frequency attached by ClinVar (database versions not stated): gnomAD exomes 0.00001.

Submissions (3):

Labcorp Genetics (formerly Invitae), Labcorp
Classification: Uncertain significance for POLD1-related polyposis and colorectal cancer syndrome. Last evaluated: 2025-11-05. Review status: criteria provided, single submitter. Criteria: Invitae Variant Classification Sherloc (09022015). Collection method: clinical testing. Allele origin: germline.
Comment: This sequence change replaces arginine, which is basic and polar, with glutamine, which is neutral and polar, at codon 195 of the POLD1 protein (p.Arg195Gln). This variant is not present in population databases (gnomAD no frequency). This variant has not been reported in the literature in individuals affected with POLD1-related conditions. ClinVar contains an entry for this variant (Variation ID: 469368). Invitae Evidence Modeling of protein sequence and biophysical properties (such as structural, functional, and spatial information, amino acid conservation, physicochemical variation, residue mobility, and thermodynamic stability) indicates that this missense variant is not expected to disrupt POLD1 protein function with a negative predictive value of 80%. In summary, the available evidence is currently insufficient to determine the role of this variant in disease. Therefore, it has been classified as a Variant of Uncertain Significance.

Ambry Genetics
Classification: Likely benign for Hereditary cancer-predisposing syndrome. Last evaluated: 2024-12-16. Review status: criteria provided, single submitter. Criteria: Ambry Variant Classification Scheme 2023. Collection method: clinical testing. Allele origin: germline.

PreventionGenetics, part of Exact Sciences
Classification: Uncertain significance. Last evaluated: 2017-11-15. Review status: criteria provided, single submitter. Criteria: ACMG Guidelines, 2015. Collection method: clinical testing. Allele origin: germline.

NM_002691.4(POLD1):c.584G>A (p.Arg195Gln)

Gene: POLD1 (DNA polymerase delta 1, catalytic subunit; plus strand). Cytogenetic location: 19q13.33.
Variant type: single nucleotide variant.
Coding change: c.584G>A on transcript NM_002691.4 (MANE Select); coding-DNA position 584, G replaced by A.
Protein change: p.Arg195Gln; replaces arginine 195 with glutamine.
Molecular consequence: missense variant. On other transcripts: non-coding transcript variant (1).
Genome position (GRCh38, 1-based): chr19:50,402,119, G>A. VCF-style: chr19-50402119-G-A. GRCh37 (hg19) VCF-style: chr19-50905376-G-A.
Other names: c.584G>A, p.Arg195Gln (NM_001256849.1, NM_001308632.1); c.584G>A (NM_002691.2); short protein forms R195Q.
Identifiers: ClinVar variation 469368 (VCV000469368.12), dbSNP rs1555789938, ClinGen allele CA406973488.